The following is an entry in ClinVar:

NM_000127.3(EXT1):c.1319G>A (p.Arg440His)

Gene: EXT1 (exostosin glycosyltransferase 1; minus strand). Cytogenetic location: 8q24.11.
Variant type: single nucleotide variant.
Coding change: c.1319G>A on transcript NM_000127.3 (MANE Select); coding-DNA position 1319, G replaced by A.
Protein change: p.Arg440His; replaces arginine 440 with histidine.
Molecular consequence: missense variant.
Genome position (GRCh38, 1-based): chr8:117,822,563, C>T on the plus strand (G>A on the coding strand, the complement: EXT1 is on the minus strand). VCF-style: chr8-117822563-C-T. GRCh37 (hg19) VCF-style: chr8-118834802-C-T.
Other names: short protein forms R440H.
Identifiers: ClinVar variation 526298 (VCV000526298.12), dbSNP rs144550328, ClinGen allele CA4854168.

ClinVar aggregate classification (germline): Likely benign. Review status: criteria provided, single submitter (1 of 4 stars). 2 submissions from 2 submitters: Likely benign (1). 1 of the submissions does not count toward it. Last evaluated 2025-10-21.

Conditions:
Multiple congenital exostosis (EXT). Also called: Multiple exostoses; Hereditary multiple exostoses; Hereditary multiple exostosis; MULTIPLE CARTILAGINOUS EXOSTOSES; Hereditary multiple osteochondromas; Multiple osteochondromas. Identifiers: Orphanet 321, MedGen C0015306, MONDO:0005508, HP:0002762.
EXT1-related disorder. Also called: EXT1-related condition.

Allele frequency attached by ClinVar (database versions not stated): TOPMed 0.00012; 1000 Genomes Project 30x 0.00016; ExAC 0.00017; gnomAD 0.00019; 1000 Genomes Project 0.00020; gnomAD exomes 0.00021; ESP Exome Variant Server 0.00023.
gnomAD v4.1: 333 of 1,613,272 alleles (0.021%); highest among the groups gnomAD compares: Admixed American, 0.025%; no homozygotes.

Submissions (2):

Labcorp Genetics (formerly Invitae), Labcorp
Classification: Likely benign for Multiple congenital exostosis. Last evaluated: 2025-10-21. Review status: criteria provided, single submitter. Criteria: Invitae Variant Classification Sherloc (09022015). Collection method: clinical testing. Allele origin: germline.

PreventionGenetics, part of Exact Sciences
Classification: Likely benign for EXT1-related condition. Last evaluated: 2022-12-06. Review status: no assertion criteria provided. Collection method: clinical testing. Allele origin: germline. Not counted in ClinVar's aggregate classification.
Comment: This variant is classified as likely benign based on ACMG/AMP sequence variant interpretation guidelines (Richards et al. 2015 PMID: 25741868, with internal and published modifications).